The following is an entry in ClinVar:

NM_031483.7(ITCH):c.2533C>A (p.Leu845Met)

Gene: ITCH (itchy E3 ubiquitin protein ligase; plus strand). Cytogenetic location: 20q11.22.
Variant type: single nucleotide variant.
Coding change: c.2533C>A on transcript NM_031483.7 (MANE Select); coding-DNA position 2533, C replaced by A.
Protein change: p.Leu845Met; replaces leucine 845 with methionine.
Molecular consequence: missense variant.
Genome position (GRCh38, 1-based): chr20:34,507,738, C>A. VCF-style: chr20-34507738-C-A. GRCh37 (hg19) VCF-style: chr20-33095543-C-A.
Other names: c.2656C>A, p.Leu886Met (NM_001257137.3, NM_001324197.2); c.2203C>A, p.Leu735Met (NM_001257138.3); c.2533C>A, p.Leu845Met (NM_001324198.2); short protein forms L845M, L735M, L886M.
Identifiers: ClinVar variation 2731373 (VCV002731373.3), dbSNP rs2516020122, ClinGen allele CA408663730.

ClinVar aggregate classification (germline): Uncertain significance (1 of 4 stars; one submission).

Conditions:
Syndromic multisystem autoimmune disease due to ITCH deficiency. Also called: AUTOIMMUNE DISEASE, MULTISYSTEM, WITH FACIAL DYSMORPHISM. Identifiers: Orphanet 228426, MedGen C3150649, MONDO:0013245, OMIM 613385.

Submission:

Labcorp Genetics (formerly Invitae), Labcorp
Classification: Uncertain significance for Syndromic multisystem autoimmune disease due to ITCH deficiency. Last evaluated: 2023-06-28. Review status: criteria provided, single submitter. Criteria: Invitae Variant Classification Sherloc (09022015). Collection method: clinical testing. Allele origin: germline.
Comment: This sequence change replaces leucine, which is neutral and non-polar, with methionine, which is neutral and non-polar, at codon 845 of the ITCH protein (p.Leu845Met). This variant is not present in population databases (gnomAD no frequency). This variant has not been reported in the literature in individuals affected with ITCH-related conditions. An algorithm developed to predict the effect of missense changes on protein structure and function (PolyPhen-2) suggests that this variant is likely to be disruptive. In summary, the available evidence is currently insufficient to determine the role of this variant in disease. Therefore, it has been classified as a Variant of Uncertain Significance.